The following is an entry in ClinVar:

ClinVar aggregate classification (germline): Uncertain significance (1 of 4 stars; one submission).

Submission:

Mayo Clinic Laboratories, Mayo Clinic
Classification: Uncertain significance. Last evaluated: 2024-12-27. Review status: criteria provided, single submitter. Criteria: ACMG Guidelines, 2015. Collection method: clinical testing. Allele origin: germline. Observed: 1 variant allele.
Comment: PP3_moderate, PP4, PM2_supporting, PS4_moderate

Literature cited by the submitters: PubMed 21264449.

NM_000488.4(SERPINC1):c.257C>T (p.Ala86Val)

Gene: SERPINC1 (serpin family C member 1; minus strand). Cytogenetic location: 1q25.1.
Variant type: single nucleotide variant.
Coding change: c.257C>T on transcript NM_000488.4 (MANE Select); coding-DNA position 257, C replaced by T.
Protein change: p.Ala86Val; replaces alanine 86 with valine.
Molecular consequence: missense variant.
Genome position (GRCh38, 1-based): chr1:173,914,704, G>A on the plus strand (C>T on the coding strand, the complement: SERPINC1 is on the minus strand). VCF-style: chr1-173914704-G-A. GRCh37 (hg19) VCF-style: chr1-173883842-G-A.
Other names: p.Ala86Val; c.113C>T, p.Ala38Val (NM_001365052.2); c.257C>T, p.Ala86Val (NM_001386302.1, NM_001386304.1, NM_001386305.1 and 1 more transcripts); c.338C>T, p.Ala113Val (NM_001386303.1); short protein forms A113V, A38V, A86V.
Identifiers: ClinVar variation 4541937 (VCV004541937.1).